The following is an entry in ClinVar:

NM_001375765.1(GIGYF1):c.798G>C (p.Gly266=)

Gene: GIGYF1 (GRB10 interacting GYF protein 1; minus strand). Cytogenetic location: 7q22.1.
Variant type: single nucleotide variant.
Coding change: c.798G>C on transcript NM_001375765.1 (MANE Select); coding-DNA position 798, G replaced by C.
Protein change: p.Gly266=; no amino-acid change (glycine 266 retained).
Molecular consequence: synonymous variant. On other transcripts: non-coding transcript variant (1).
Genome position (GRCh38, 1-based): chr7:100,686,330, C>G on the plus strand (G>C on the coding strand, the complement: GIGYF1 is on the minus strand). VCF-style: chr7-100686330-C-G. GRCh37 (hg19) VCF-style: chr7-100283953-C-G.
Other names: NM_022574.4:c.798G>C; c.798G>C, p.Gly266= (NM_001375759.1, NM_001375760.1, NM_001375761.1 and 6 more transcripts).
Identifiers: ClinVar variation 3057740 (VCV003057740.2), dbSNP rs769507990, ClinGen allele CA4388827.
Genomic context (GRCh38, chr7:100,686,330, plus strand): 5'-CTCCTCAAAGCCTTCAGGCGCTCGGCACCGCCGCAGGTGAGAGCTGCCTCCCCCTCCCCG[C>G]CCCTCCTCTTCACCACACCCTCCTCGATCCCCTCGCAAATCAAATTCAAACTTGCGCCGC-3'
Protein context (NP_001362694.1, residues 256-276): GDRGGCGEEE[Gly266=]RGGGGSSHLR

ClinVar aggregate classification (germline): Likely benign (0 of 4 stars; one submission).

Conditions:
GIGYF1-related disorder. Also called: GIGYF1-related condition.

Allele frequency attached by ClinVar (database versions not stated): TOPMed 0.00003; gnomAD exomes 0.00004; ExAC 0.00005.
gnomAD v4.1: 51 of 1,613,660 alleles (0.0032%); highest among the groups gnomAD compares: South Asian, 0.035%; no homozygotes.

Submission:

PreventionGenetics, part of Exact Sciences
Classification: Likely benign for GIGYF1-related condition. Last evaluated: 2019-04-08. Review status: no assertion criteria provided. Collection method: clinical testing. Allele origin: germline.
Comment: This variant is classified as likely benign based on ACMG/AMP sequence variant interpretation guidelines (Richards et al. 2015 PMID: 25741868, with internal and published modifications).